The following is an entry in ClinVar:

NM_206933.4(USH2A):c.2714del (p.Leu905fs)

Genes: USH2A (usherin; minus strand), LOC122152296 (Sharpr-MPRA regulatory region 8762; plus strand). Cytogenetic location: 1q41.
Variant type: Deletion.
Coding change: c.2714del on transcript NM_206933.4 (MANE Select); coding-DNA position 2714, one base deleted (T; older notation c.2714delT).
Protein change: p.Leu905fs; shifts the reading frame from leucine 905.
Molecular consequence: frameshift variant.
Genome position (GRCh38, 1-based): chr1:216,246,680, A deleted on the plus strand (T on the coding strand, the reverse complement: USH2A is on the minus strand); the first of 2 consecutive A bases (chr1:216,246,680-216,246,681); deleting either gives the same sequence. VCF-style (leftmost placement, unchanged base first): chr1-216246679-CA-C. GRCh37 (hg19) VCF-style: chr1-216420021-CA-C.
Other names: c.2714del, p.Leu905fs (NM_007123.6); short protein forms L905fs.
Identifiers: ClinVar variation 1374473 (VCV001374473.6), dbSNP rs2102545129, ClinGen allele CA2573132757.

ClinVar aggregate classification (germline): Pathogenic (1 of 4 stars; one submission).

Submission:

Labcorp Genetics (formerly Invitae), Labcorp
Classification: Pathogenic. Last evaluated: 2021-04-22. Review status: criteria provided, single submitter. Criteria: Invitae Variant Classification Sherloc (09022015). Collection method: clinical testing. Allele origin: germline.
Comment: For these reasons, this variant has been classified as Pathogenic. This variant has not been reported in the literature in individuals with USH2A-related conditions. This variant is not present in population databases (ExAC no frequency). This sequence change creates a premature translational stop signal (p.Leu905Trpfs*62) in the USH2A gene. It is expected to result in an absent or disrupted protein product. Loss-of-function variants in USH2A are known to be pathogenic (PMID: 10729113, 10909849, 20507924, 25649381).

Literature cited by the submitters: PubMed 10729113; PubMed 10909849; PubMed 20507924; PubMed 25649381.